The following is an entry in ClinVar:

ClinVar aggregate classification (germline): Uncertain significance (1 of 4 stars; one submission).

Conditions:
Epidermolysis bullosa simplex with nail dystrophy (EBS5D). Identifiers: MedGen C4225309, MONDO:0014661, OMIM 616487.
Epidermolysis bullosa simplex, Ogna type (EBS5A). Also called: EPIDERMOLYSIS BULLOSA SIMPLEX 5A, OGNA TYPE; Pidermolysis bullosa simplex 5A, Ogna type. Identifiers: Orphanet 79401, MedGen C0432317, MONDO:0007555, OMIM 131950.
Autosomal recessive limb-girdle muscular dystrophy type 2Q (LGMDR17). Also called: MUSCULAR DYSTROPHY, LIMB-GIRDLE, AUTOSOMAL RECESSIVE 17. Identifiers: Orphanet 254361, MedGen C3150989, MONDO:0013390, OMIM 613723.
Epidermolysis bullosa simplex 5B, with muscular dystrophy (EBS5B). Also called: EPIDERMOLYSIS BULLOSA SIMPLEX AND LIMB-GIRDLE MUSCULAR DYSTROPHY; Epidermolysis bullosa simplex with muscular dystrophy. Identifiers: Orphanet 257, MedGen C2931072, MONDO:0009181, OMIM 226670.
Epidermolysis bullosa simplex 5C, with pyloric atresia (EBS5C). Also called: PLEC-Related Epidermolysis Bullosa with Pyloric Atresia; Epidermolysis bullosa simplex with pyloric atresia; PLEC1-Related Epidermolysis Bullosa with Pyloric Atresia. Identifiers: Orphanet 158684, MedGen C2677349, MONDO:0012807, OMIM 612138.

Submission:

Labcorp Genetics (formerly Invitae), Labcorp
Classification: Uncertain significance for Autosomal recessive limb-girdle muscular dystrophy type 2Q; Epidermolysis bullosa simplex, Ogna type; Epidermolysis bullosa simplex with nail dystrophy; Epidermolysis bullosa simplex 5C, with pyloric atresia; Epidermolysis bullosa simplex 5B, with muscular dystrophy. Last evaluated: 2025-08-20. Review status: criteria provided, single submitter. Criteria: Invitae Variant Classification Sherloc (09022015). Collection method: clinical testing. Allele origin: germline.
Comment: This sequence change replaces glycine, which is neutral and non-polar, with serine, which is neutral and polar, at codon 368 of the PLEC protein (p.Gly368Ser). This variant is not present in population databases (gnomAD no frequency). This variant has not been reported in the literature in individuals affected with PLEC-related conditions. An algorithm developed to predict the effect of missense changes on protein structure and function outputs the following: PolyPhen-2: "Not Available". The serine amino acid residue is found in multiple mammalian species, which suggests that this missense change does not adversely affect protein function. In summary, the available evidence is currently insufficient to determine the role of this variant in disease. Therefore, it has been classified as a Variant of Uncertain Significance.

NM_201384.3(PLEC):c.1021G>A (p.Gly341Ser)

Gene: PLEC (plectin; minus strand). Cytogenetic location: 8q24.3.
Variant type: single nucleotide variant.
Coding change: c.1021G>A on transcript NM_201384.3 (MANE Select); coding-DNA position 1021, G replaced by A.
Protein change: p.Gly341Ser; replaces glycine 341 with serine.
Molecular consequence: missense variant.
Genome position (GRCh38, 1-based): chr8:143,934,655, C>T on the plus strand (G>A on the coding strand, the complement: PLEC is on the minus strand). VCF-style: chr8-143934655-C-T. GRCh37 (hg19) VCF-style: chr8-145008823-C-T.
Other names: c.1102G>A, p.Gly368Ser (NM_000445.5, NM_001410941.1); c.979G>A, p.Gly327Ser (NM_201378.4); c.955G>A, p.Gly319Ser (NM_201379.3); c.1432G>A, p.Gly478Ser (NM_201380.4); c.925G>A, p.Gly309Ser (NM_201381.3); c.1021G>A, p.Gly341Ser (NM_201382.4); c.1033G>A, p.Gly345Ser (NM_201383.3); short protein forms G309S, G319S, G341S, G327S, G345S, G368S, G478S.
Identifiers: ClinVar variation 4792405 (VCV004792405.1).
Genomic context (GRCh38, chr8:143,934,655, plus strand): 5'-GTTCCAGGACACCACCCACCCCTCCAGCGGTCCCACTCACCTCCAGGGATTGGTAGATGC[C>T]CTTGGACCTGTTCTTGTCGGCCTCCTTGGCTGGTAGCTCCATCTCCTTAAACTTCAGGAA-3'
Protein context (NP_958786.1, residues 331-351): AKEADKNRSK[Gly341Ser]IYQSLEGAVQ